The following is an entry in ClinVar:

ClinVar aggregate classification (germline): Uncertain significance. Review status: criteria provided, multiple submitters, no conflicts (2 of 4 stars). 5 submissions from 5 submitters: Uncertain significance (4). 1 of the submissions does not count toward it. Last evaluated 2025-02-16.

Conditions:
Neuromuscular disease caused by qualitative or quantitative defects of dysferlin. Also called: Dysferlinopathy; Qualitative or quantitative defects of dysferlin. Identifiers: Orphanet 207073, MedGen C2931687, MONDO:0016145.
Autosomal recessive limb-girdle muscular dystrophy type 2B (LGMDR2). Also called: MUSCULAR DYSTROPHY, LIMB-GIRDLE, TYPE 3; Limb-Girdle Muscular Dystrophy Type 2B (LGMD2B); Limb-girdle muscular dystrophy, type 2B; MUSCULAR DYSTROPHY, LIMB-GIRDLE, AUTOSOMAL RECESSIVE 2. Identifiers: Orphanet 268, MedGen C1850889, MONDO:0009676, OMIM 253601.

Submissions (5):

GeneDx
Classification: Uncertain significance. Last evaluated: 2025-02-16. Review status: criteria provided, single submitter. Criteria: GeneDx Variant Classification Process June 2021. Collection method: clinical testing. Allele origin: germline. Affected: yes.
Comment: Not observed at significant frequency in large population cohorts (gnomAD); In silico analysis supports that this missense variant has a deleterious effect on protein structure/function; Has not been previously published as pathogenic or benign to our knowledge; This variant is associated with the following publications: (PMID: 24438169)

Labcorp Genetics (formerly Invitae), Labcorp
Classification: Uncertain significance for Neuromuscular disease caused by qualitative or quantitative defects of dysferlin. Last evaluated: 2023-08-04. Review status: criteria provided, single submitter. Criteria: Invitae Variant Classification Sherloc (09022015). Collection method: clinical testing. Allele origin: germline.
Comment: This sequence change replaces arginine, which is basic and polar, with lysine, which is basic and polar, at codon 1870 of the DYSF protein (p.Arg1870Lys). This variant is not present in population databases (gnomAD no frequency). This variant has not been reported in the literature in individuals affected with DYSF-related conditions. ClinVar contains an entry for this variant (Variation ID: 285152). Advanced modeling of protein sequence and biophysical properties (such as structural, functional, and spatial information, amino acid conservation, physicochemical variation, residue mobility, and thermodynamic stability) performed at Invitae indicates that this missense variant is expected to disrupt DYSF protein function. In summary, the available evidence is currently insufficient to determine the role of this variant in disease. Therefore, it has been classified as a Variant of Uncertain Significance.

Revvity Omics, Revvity
Classification: Uncertain significance. Last evaluated: 2019-08-01. Review status: criteria provided, single submitter. Criteria: ACMG Guidelines, 2015. Collection method: clinical testing. Allele origin: germline.

Eurofins Ntd Llc (ga)
Classification: Uncertain significance. Last evaluated: 2017-01-13. Review status: criteria provided, single submitter. Criteria: EGL Classification Definitions 2015. Collection method: clinical testing. Allele origin: germline. Observed: 2 variant alleles, 2 heterozygotes.

Natera, Inc.
Classification: Uncertain significance for Limb-girdle muscular dystrophy type 2B. Last evaluated: 2021-03-10. Review status: no assertion criteria provided. Collection method: clinical testing. Allele origin: germline. Not counted in ClinVar's aggregate classification.

NM_001130987.2(DYSF):c.5726G>A (p.Arg1909Lys)

Gene: DYSF (dysferlin; plus strand). Cytogenetic location: 2p13.2.
Variant type: single nucleotide variant.
Coding change: c.5726G>A on transcript NM_001130987.2 (MANE Select); coding-DNA position 5726, G replaced by A.
Protein change: p.Arg1909Lys; replaces arginine 1909 with lysine.
Molecular consequence: missense variant.
Genome position (GRCh38, 1-based): chr2:71,669,688, G>A. VCF-style: chr2-71669688-G-A. GRCh37 (hg19) VCF-style: chr2-71896818-G-A.
Other names: c.5612G>A, p.Arg1871Lys (NM_001130455.2); c.5567G>A, p.Arg1856Lys (NM_001130976.2); c.5630G>A, p.Arg1877Lys (NM_001130977.2); c.5672G>A, p.Arg1891Lys (NM_001130978.2); c.5702G>A, p.Arg1901Lys (NM_001130979.2); c.5660G>A, p.Arg1887Lys (NM_001130980.2); c.5723G>A, p.Arg1908Lys (NM_001130981.2); c.5705G>A, p.Arg1902Lys (NM_001130982.2); and 5 more; short protein forms R1870K, R1909K, R1891K, R1887K, R1888K, R1892K, R1901K, R1856K.
Identifiers: ClinVar variation 285152 (VCV000285152.17), dbSNP rs886043028, ClinGen allele CA10605015.